The following is an entry in ClinVar:

NM_001267550.2(TTN):c.11103G>A (p.Glu3701=)

Gene: TTN (titin; minus strand). Cytogenetic location: 2q31.2.
Variant type: single nucleotide variant.
Coding change: c.11103G>A on transcript NM_001267550.2 (MANE Select); coding-DNA position 11103, G replaced by A.
Protein change: p.Glu3701=; no amino-acid change (glutamic acid 3701 retained).
Molecular consequence: synonymous variant. On other transcripts: intron variant (5).
Genome position (GRCh38, 1-based): chr2:178,756,373, C>T on the plus strand (G>A on the coding strand, the complement: TTN is on the minus strand). VCF-style: chr2-178756373-C-T. GRCh37 (hg19) VCF-style: chr2-179621100-C-T.
Other names: c.10590G>A, p.Glu3530= (NM_133437.4); c.10165+2611G>A (NM_003319.4); c.10540+1169G>A (NM_133432.3); c.10303+2611G>A (NM_133378.4, NM_001256850.1, NM_133379.5).
Identifiers: ClinVar variation 413088 (VCV000413088.13), dbSNP rs762913656, ClinGen allele CA2003990.

ClinVar aggregate classification (germline): Likely benign. Review status: criteria provided, multiple submitters, no conflicts (2 of 4 stars). 2 submissions from 2 submitters: Likely benign (2). Last evaluated 2026-07-01.

Conditions:
TTN-related disorder. Also called: TTN-related disorders; TTN-related condition; TTN-related disease.
Autosomal recessive limb-girdle muscular dystrophy type 2J (LGMDR10). Also called: Limb-girdle muscular dystrophy, type 2J; MUSCULAR DYSTROPHY, LIMB-GIRDLE, AUTOSOMAL RECESSIVE 10. Identifiers: Orphanet 140922, MedGen C1837342, MONDO:0012127, OMIM 608807.
Dilated cardiomyopathy 1G (CMD1G). Identifiers: Orphanet 154, MedGen C1858763, MONDO:0011400, OMIM 604145.

Allele frequency attached by ClinVar (database versions not stated): gnomAD 0.00001; ExAC 0.00003; gnomAD exomes 0.00003 and 0.00006; TOPMed 0.00005.
gnomAD v4.1: 19 of 1,613,714 alleles (0.0012%); highest among the groups gnomAD compares: Admixed American, 0.032%; no homozygotes.

Submissions (2):

PreventionGenetics, part of Exact Sciences
Classification: Likely benign for TTN-related condition. Last evaluated: 2026-07-01. Review status: criteria provided, single submitter. Criteria: ACMG Guidelines, 2015. Collection method: clinical testing. Allele origin: germline.
Comment: This variant is classified as likely benign based on ACMG/AMP sequence variant interpretation guidelines (Richards et al. 2015 PMID: 25741868, with internal and published modifications).

Labcorp Genetics (formerly Invitae), Labcorp
Classification: Likely benign for Dilated cardiomyopathy 1G; Autosomal recessive limb-girdle muscular dystrophy type 2J. Last evaluated: 2026-02-01. Review status: criteria provided, single submitter. Criteria: Invitae Variant Classification Sherloc (09022015). Collection method: clinical testing. Allele origin: germline.